The following is an entry in ClinVar:

NM_144672.4(OTOA):c.826del (p.Ile276fs)

Gene: OTOA (otoancorin). Cytogenetic location: 16p12.2.
Variant type: Deletion.
Coding change: c.826del on transcript NM_144672.4 (MANE Select); coding-DNA position 826, one base deleted.
Protein change: p.Ile276fs; shifts the reading frame from isoleucine 276.
Molecular consequence: frameshift variant.
Genome position: GRCh38 VCF-style: chr16-21697857-GA-G. GRCh37 (hg19) VCF-style: chr16-21709178-GA-G.
Other names: c.589del, p.Ile197fs (NM_001161683.2); short protein forms I197fs, I276fs.
Identifiers: ClinVar variation 2748699 (VCV002748699.3), dbSNP rs2506990331, ClinGen allele CA2697555692.
Genomic context (GRCh38, chr16:21,697,857, plus strand): 5'-TGCGGAACACTTATGGGTTTTGGGCAGATACATGGTTCACCTATCGTTTGAAGAAATTAC[GA>G]AAATTAGTCCTATAGAAGTAAGTTGGAAAAGTACATTTATATGTCACCATTACTAATACA-3'

ClinVar aggregate classification (germline): Pathogenic (1 of 4 stars; one submission).

Submission:

Labcorp Genetics (formerly Invitae), Labcorp
Classification: Pathogenic. Last evaluated: 2023-07-31. Review status: criteria provided, single submitter. Criteria: Invitae Variant Classification Sherloc (09022015). Collection method: clinical testing. Allele origin: germline.
Comment: For these reasons, this variant has been classified as Pathogenic. This variant has not been reported in the literature in individuals affected with OTOA-related conditions. This variant is not present in population databases (gnomAD no frequency). This sequence change creates a premature translational stop signal (p.Ile276Leufs*4) in the OTOA gene. It is expected to result in an absent or disrupted protein product. Loss-of-function variants in OTOA are known to be pathogenic (PMID: 11972037).

Literature cited by the submitters: PubMed 11972037.